The following is an entry in ClinVar:

NM_020975.6(RET):c.485C>T (p.Pro162Leu)

Gene: RET (ret proto-oncogene; plus strand). Cytogenetic location: 10q11.21.
Variant type: single nucleotide variant.
Coding change: c.485C>T on transcript NM_020975.6 (MANE Select); coding-DNA position 485, C replaced by T.
Protein change: p.Pro162Leu; replaces proline 162 with leucine.
Molecular consequence: missense variant.
Genome position (GRCh38, 1-based): chr10:43,102,489, C>T. VCF-style: chr10-43102489-C-T. GRCh37 (hg19) VCF-style: chr10-43597937-C-T.
Other names: c.485C>T, p.Pro162Leu (NM_000323.2, NM_001406743.1, NM_001406744.1 and 16 more transcripts); c.356C>T, p.Pro119Leu (NM_001406761.1, NM_001406762.1, NM_001406764.1 and 4 more transcripts); short protein forms P162L, P119L.
Identifiers: ClinVar variation 1743624 (VCV001743624.3), dbSNP rs1205703835, ClinGen allele CA376543218.

ClinVar aggregate classification (germline): Uncertain significance. Review status: criteria provided, multiple submitters, no conflicts (2 of 4 stars). 2 submissions from 2 submitters: Uncertain significance (2). Last evaluated 2025-05-29.

Conditions:
Hereditary cancer-predisposing syndrome. Also called: Hereditary Cancer Syndrome; Neoplastic Syndromes, Hereditary; Tumor predisposition; Hereditary neoplastic syndrome. Identifiers: Orphanet 140162, MedGen C0027672, MeSH D009386, MONDO:0015356.

gnomAD v4.1: 1 of 1,614,210 alleles (0.000062%); highest among the groups gnomAD compares: East Asian, 0.0022%; no homozygotes.

Submissions (2):

GeneDx
Classification: Uncertain significance. Last evaluated: 2025-05-29. Review status: criteria provided, single submitter. Criteria: GeneDx Variant Classification Process June 2021. Collection method: clinical testing. Allele origin: germline. Affected: yes.
Comment: Not observed at significant frequency in large population cohorts (gnomAD); In silico analysis suggests that this missense variant does not alter protein structure/function; Has not been previously published as pathogenic or benign to our knowledge; This variant is associated with the following publications: (PMID: 14633923)

Ambry Genetics
Classification: Uncertain significance for Hereditary cancer-predisposing syndrome. Last evaluated: 2024-02-27. Review status: criteria provided, single submitter. Criteria: Ambry Variant Classification Scheme 2023. Collection method: clinical testing. Allele origin: germline.
Comment: The p.P162L variant (also known as c.485C>T), located in coding exon 3 of the RET gene, results from a C to T substitution at nucleotide position 485. The proline at codon 162 is replaced by leucine, an amino acid with similar properties. This amino acid position is not well conserved in available vertebrate species. In addition, this alteration is predicted to be tolerated by in silico analysis. Based on the available evidence, the clinical significance of this alteration remains unclear.